The following is an entry in ClinVar:

NM_004369.4(COL6A3):c.3879T>G (p.Asp1293Glu)

Gene: COL6A3 (collagen type VI alpha 3 chain; minus strand). Cytogenetic location: 2q37.3.
Variant type: single nucleotide variant.
Coding change: c.3879T>G on transcript NM_004369.4 (MANE Select); coding-DNA position 3879, T replaced by G.
Protein change: p.Asp1293Glu; replaces aspartic acid 1293 with glutamic acid.
Molecular consequence: missense variant.
Genome position (GRCh38, 1-based): chr2:237,372,138, A>C on the plus strand (T>G on the coding strand, the complement: COL6A3 is on the minus strand). VCF-style: chr2-237372138-A-C. GRCh37 (hg19) VCF-style: chr2-238280781-A-C.
Other names: p.Asp1293Glu; c.2658T>G, p.Asp886Glu (NM_057164.5); c.3261T>G, p.Asp1087Glu (NM_057165.5, NM_057167.4); c.2058T>G, p.Asp686Glu (NM_057166.5); short protein forms D1293E, D1087E, D686E, D886E.
Identifiers: ClinVar variation 199090 (VCV000199090.22), dbSNP rs74425496, ClinGen allele CA203746.

ClinVar aggregate classification (germline): Benign. Review status: criteria provided, multiple submitters, no conflicts (2 of 4 stars). 6 submissions from 6 submitters: Benign (5). 1 of the submissions does not count toward it. Last evaluated 2026-02-01.

Conditions:
COL6A3-related disorder. Also called: COL6A3-related disorders; COL6A3-related condition.
Collagen 6-related myopathy. Identifiers: MedGen CN117976, MONDO:0100225.
Bethlem myopathy 1A. Also called: MYOPATHY, BENIGN CONGENITAL, WITH CONTRACTURES; Bethlem myopathy 1; Bethlem Muscular Dystrophy. Identifiers: Orphanet 610, MedGen CN029274, MONDO:0024530, OMIM 158810.

Allele frequency attached by ClinVar (database versions not stated): gnomAD 0.00054 and 0.00093; TOPMed 0.00078; gnomAD exomes 0.00177; ExAC 0.00201; 1000 Genomes Project 30x 0.00344; 1000 Genomes Project 0.00439.
gnomAD v4.1: 2,219 of 1,613,964 alleles (0.14%); highest among the groups gnomAD compares: East Asian, 4.6%; 60 homozygotes.

Submissions (6):

Labcorp Genetics (formerly Invitae), Labcorp
Classification: Benign for Bethlem myopathy 1A. Last evaluated: 2026-02-01. Review status: criteria provided, single submitter. Criteria: Invitae Variant Classification Sherloc (09022015). Collection method: clinical testing. Allele origin: germline.

Mayo Clinic Laboratories, Mayo Clinic
Classification: Benign. Last evaluated: 2025-08-08. Review status: criteria provided, single submitter. Criteria: ACMG Guidelines, 2015. Collection method: clinical testing. Allele origin: germline. Observed: 1 variant allele.
Comment: BA1

Illumina Laboratory Services, Illumina
Classification: Benign for Collagen VI-related myopathy. Last evaluated: 2018-01-13. Review status: criteria provided, single submitter. Criteria: ICSL Variant Classification Criteria 13 December 2019. Collection method: clinical testing. Allele origin: germline.
Comment: This variant was observed in the ICSL laboratory as part of a predisposition screen in an ostensibly healthy population. It had not been previously curated by ICSL or reported in the Human Gene Mutation Database (HGMD: prior to June 1st, 2018), and was therefore a candidate for classification through an automated scoring system. Utilizing variant allele frequency, disease prevalence and penetrance estimates, and inheritance mode, an automated score was calculated to assess if this variant is too frequent to cause the disease. Based on the score and internal cut-off values, a variant classified as benign is not then subjected to further curation. The score for this variant resulted in a classification of benign for this disease.

GeneDx
Classification: Benign. Last evaluated: 2016-11-15. Review status: criteria provided, single submitter. Criteria: GeneDx Variant Classification (06012015). Collection method: clinical testing. Allele origin: germline. Affected: yes.
Comment: This variant is considered likely benign or benign based on one or more of the following criteria: it is a conservative change, it occurs at a poorly conserved position in the protein, it is predicted to be benign by multiple in silico algorithms, and/or has population frequency not consistent with disease.

Eurofins Ntd Llc (ga)
Classification: Benign. Last evaluated: 2015-03-01. Review status: criteria provided, single submitter. Criteria: EGL Classification Definitions 2015. Collection method: clinical testing. Allele origin: germline. Observed: 1 variant allele, 1 heterozygote.

PreventionGenetics, part of Exact Sciences
Classification: Benign for COL6A3-related condition. Last evaluated: 2020-12-15. Review status: no assertion criteria provided. Collection method: clinical testing. Allele origin: germline. Not counted in ClinVar's aggregate classification.
Comment: This variant is classified as benign based on ACMG/AMP sequence variant interpretation guidelines (Richards et al. 2015 PMID: 25741868, with internal and published modifications).